The following is an entry in ClinVar:

NM_001267550.2(TTN):c.11311+3234T>C

Gene: TTN (titin; minus strand). Cytogenetic location: 2q31.2.
Variant type: single nucleotide variant.
Coding change: c.11311+3234T>C on transcript NM_001267550.2 (MANE Select); 3234 bases into the intron after coding-DNA position 11311, T replaced by C.
Molecular consequence: intron variant. On other transcripts: synonymous variant (1).
Genome position (GRCh38, 1-based): chr2:178,749,890, A>G on the plus strand (T>C on the coding strand, the complement: TTN is on the minus strand). VCF-style: chr2-178749890-A-G. GRCh37 (hg19) VCF-style: chr2-179614617-A-G.
Other names: c.12510T>C, p.Cys4170= (NM_133379.5); c.10222+3234T>C (NM_003319.4); c.10798+3234T>C (NM_133437.4); c.10597+3234T>C (NM_133432.3); c.10360+3234T>C (NM_133378.4, NM_001256850.1).
Identifiers: ClinVar variation 4822009 (VCV004822009.4).

ClinVar aggregate classification (germline): Likely benign (1 of 4 stars; one submission).

gnomAD v4.1: 13 of 1,612,996 alleles (0.00081%); highest among the groups gnomAD compares: Non-Finnish European, 0.0011%; no homozygotes.

Submission:

CeGaT Center for Human Genetics Tuebingen
Classification: Likely benign. Last evaluated: 2026-09-01. Review status: criteria provided, single submitter. Criteria: CeGaT Center For Human Genetics Tuebingen Variant Classification Criteria Version 2. Collection method: clinical testing. Allele origin: germline. Affected: yes. Observed: 3 variant alleles.
Comment: TTN: BP4, BP7